The following is an entry in ClinVar:

ClinVar aggregate classification (germline): Pathogenic (1 of 4 stars; one submission).

Conditions:
von Willebrand disorder (VWD). Also called: von Willebrand Diseases; Von Willebrand disease (hereditary or acquired); von Willebrand's disease. Identifiers: MedGen C0042974, MeSH D014842, MONDO:0024574.

Submission:

Women's Health and Genetics/Laboratory Corporation of America, LabCorp
Classification: Pathogenic for von Willebrand disorder. Last evaluated: 2024-09-17. Review status: criteria provided, single submitter. Criteria: LabCorp Variant Classification Summary - May 2015. Collection method: clinical testing. Allele origin: germline.
Comment: Variant summary: The variant involves the deletion of exon 6 in the VWF gene. A presumed nomenclature of c.(532+1_533-1)_(657+1_658-1)del has been designated for the purposes of this classification. This Copy Number Variant (CNV) is expected to alter the reading frame and predicted to result in a truncation or absence of the encoded protein due to nonsense mediated decay (NMD). The variant was absent in 21694 control chromosomes (gnomAD Structual Variants dataset). c.(532+1_533-1)_(657+1_658-1)del has been reported in the literature in individuals affected with Von Willebrand Disease (e.g., Yadegari_2011). These data indicate that the variant is likely to be associated with disease. The following publication was ascertained in the context of this evaluation (PMID: 21410641). ClinVar contains an entry for this variant (Variation ID: 1065236, 627513). Based on the evidence outlined above, the variant was classified as pathogenic.

Literature cited by the submitters: PubMed 21410641.

NC_000012.11:g.(6184718_6204625)_(6204751_6219539)del

Gene: VWF (von Willebrand factor; minus strand). Cytogenetic location: 12p13.31.
Variant type: Deletion.
Identifiers: ClinVar variation 3375424 (VCV003375424.1).